The following is an entry in ClinVar:

ClinVar aggregate classification (germline): Likely benign. Review status: criteria provided, multiple submitters, no conflicts (2 of 4 stars). 2 submissions from 2 submitters: Likely benign (2). Last evaluated 2024-10-29.

Conditions:
Hereditary fructosuria. Also called: Hereditary fructose intolerance; Fructose intolerance; ALDOB DEFICIENCY; ALDOLASE B DEFICIENCY; FRUCTOSE-1,6-BISPHOSPHATE ALDOLASE B DEFICIENCY; FRUCTOSE-1-PHOSPHATE ALDOLASE DEFICIENCY. Identifiers: Orphanet 469, MedGen C0016751, MONDO:0009249, OMIM 229600, HP:0005973. Disease mechanism: loss of function.
ALDOB-related disorder. Also called: ALDOB-related condition.

Allele frequency attached by ClinVar (database versions not stated): gnomAD exomes below 0.00001.
gnomAD v4.1: 4 of 1,606,736 alleles (0.00025%); highest among the groups gnomAD compares: Non-Finnish European, 0.00026%; no homozygotes.

Submissions (2):

PreventionGenetics, part of Exact Sciences
Classification: Likely benign for ALDOB-related condition. Last evaluated: 2024-10-29. Review status: criteria provided, single submitter. Criteria: ACMG Guidelines, 2015. Collection method: clinical testing. Allele origin: germline.
Comment: This variant is classified as likely benign based on ACMG/AMP sequence variant interpretation guidelines (Richards et al. 2015 PMID: 25741868, with internal and published modifications).

Labcorp Genetics (formerly Invitae), Labcorp
Classification: Likely benign for Hereditary fructosuria. Last evaluated: 2023-07-19. Review status: criteria provided, single submitter. Criteria: Invitae Variant Classification Sherloc (09022015). Collection method: clinical testing. Allele origin: germline.

NM_000035.4(ALDOB):c.549G>T (p.Leu183=)

Gene: ALDOB (aldolase, fructose-bisphosphate B; minus strand). Cytogenetic location: 9q31.1.
Variant type: single nucleotide variant.
Coding change: c.549G>T on transcript NM_000035.4 (MANE Select); coding-DNA position 549, G replaced by T.
Protein change: p.Leu183=; no amino-acid change (leucine 183 retained).
Molecular consequence: synonymous variant.
Genome position (GRCh38, 1-based): chr9:101,426,630, C>A on the plus strand (G>T on the coding strand, the complement: ALDOB is on the minus strand). VCF-style: chr9-101426630-C-A. GRCh37 (hg19) VCF-style: chr9-104188912-C-A.
Other names: c.549G>T (NM_000035.3).
Identifiers: ClinVar variation 1116283 (VCV001116283.10), dbSNP rs1564077875, ClinGen allele CA466462841.
Genomic context (GRCh38, chr9:101,426,630, plus strand): 5'-CTGGCAGTGTTCCAGGTCATGGTCTCCATCAGGAATTACCTCTGGTTCAACAATAGGTAC[C>A]AGTCCATTCTAAAAAGGAAAATCAAGGAAGCAAAAGTGAAGCTGTGCTCACTGTTATCCT-3'
Protein context (NP_000026.2, residues 173-193): RYASICQQNG[Leu183=]VPIVEPEVIP